The following is an entry in ClinVar:

NM_001429.4(EP300):c.6390G>A (p.Met2130Ile)

Gene: EP300 (EP300 lysine acetyltransferase; plus strand). Cytogenetic location: 22q13.2.
Variant type: single nucleotide variant.
Coding change: c.6390G>A on transcript NM_001429.4 (MANE Select); coding-DNA position 6390, G replaced by A.
Protein change: p.Met2130Ile; replaces methionine 2130 with isoleucine.
Molecular consequence: missense variant.
Genome position (GRCh38, 1-based): chr22:41,178,101, G>A. VCF-style: chr22-41178101-G-A. GRCh37 (hg19) VCF-style: chr22-41574105-G-A.
Other names: c.6312G>A, p.Met2104Ile (NM_001362843.2); short protein forms M2130I, M2104I.
Identifiers: ClinVar variation 134057 (VCV000134057.44), dbSNP rs147973806, ClinGen allele CA158524.
Genomic context (GRCh38, chr22:41,178,101, plus strand): 5'-GCCAGGGCTACAGCCACCTACCATGCCAGGTCAGCAGGGGGTCCACTCCAATCCAGCCAT[G>A]CAGAACATGAATCCAATGCAGGCGGGCGTTCAGAGGGCTGGCCTGCCCCAGCAGCAACCA-3'
Protein context (NP_001420.2, residues 2120-2140): GQQGVHSNPA[Met2130Ile]QNMNPMQAGV

ClinVar aggregate classification (germline): Benign/Likely benign. Review status: criteria provided, multiple submitters, no conflicts (2 of 4 stars). 7 submissions from 7 submitters: Benign (2); Likely benign (3). 2 of the submissions do not count toward it. Last evaluated 2026-01-19.

Conditions:
EP300-related disorder. Also called: EP300-related disorders; EP300-related condition.
Rubinstein-Taybi syndrome due to EP300 haploinsufficiency. Also called: RUBINSTEIN-TAYBI SYNDROME 2; EP300-Related Rubinstein-Taybi Syndrome. Identifiers: Orphanet 353284, Orphanet 783, MedGen C3150941, MONDO:0013364, OMIM 613684.

Allele frequency attached by ClinVar (database versions not stated): gnomAD exomes 0.00009 and 0.00022; ExAC 0.00021; ESP Exome Variant Server 0.00092; gnomAD 0.00093 and 0.00101; 1000 Genomes Project 0.00100; TOPMed 0.00126; 1000 Genomes Project 30x 0.00141.
gnomAD v4.1: 269 of 1,614,106 alleles (0.017%); highest among the groups gnomAD compares: African/African-American, 0.32%; 2 homozygotes.

Submissions (7):

Labcorp Genetics (formerly Invitae), Labcorp
Classification: Likely benign for Rubinstein-Taybi syndrome due to EP300 haploinsufficiency. Last evaluated: 2026-01-19. Review status: criteria provided, single submitter. Criteria: Invitae Variant Classification Sherloc (09022015). Collection method: clinical testing. Allele origin: germline.

CeGaT Center for Human Genetics Tuebingen
Classification: Benign. Last evaluated: 2023-05-01. Review status: criteria provided, single submitter. Criteria: CeGaT Center For Human Genetics Tuebingen Variant Classification Criteria Version 2. Collection method: clinical testing. Allele origin: germline. Affected: yes. Observed: 2 variant alleles.
Comment: EP300: BS1, BS2

Blueprint Genetics
Classification: Likely benign. Last evaluated: 2022-07-17. Review status: criteria provided, single submitter. Criteria: ACMG Guidelines, 2015. Collection method: clinical testing. Allele origin: germline.

GeneDx
Classification: Benign. Last evaluated: 2020-03-11. Review status: criteria provided, single submitter. Criteria: GeneDx Variant Classification Process June 2021. Collection method: clinical testing. Allele origin: germline. Affected: yes.

Eurofins Ntd Llc (ga)
Classification: Likely benign. Last evaluated: 2015-07-28. Review status: criteria provided, single submitter. Criteria: EGL Classification Definitions 2015. Collection method: clinical testing. Allele origin: germline. Observed: 1 variant allele, 1 heterozygote.

PreventionGenetics, part of Exact Sciences
Classification: Likely benign for EP300-related condition. Last evaluated: 2021-06-18. Review status: no assertion criteria provided. Collection method: clinical testing. Allele origin: germline. Not counted in ClinVar's aggregate classification.
Comment: This variant is classified as likely benign based on ACMG/AMP sequence variant interpretation guidelines (Richards et al. 2015 PMID: 25741868, with internal and published modifications).

ITMI
No classification provided. Condition: AllHighlyPenetrant. Last evaluated: 2013-09-19. Review status: no classification provided. Collection method: reference population. Allele origin: germline. Not counted in ClinVar's aggregate classification.
Comment: Please see associated publication for description of ethnicities

Literature cited by the submitters: PubMed 24728327 (cited by ITMI).